The following is an entry in ClinVar:

NM_001371623.1(TCOF1):c.4248C>T (p.Asp1416=)

Gene: TCOF1 (treacle ribosome biogenesis factor 1; plus strand). Cytogenetic location: 5q32.
Variant type: single nucleotide variant.
Coding change: c.4248C>T on transcript NM_001371623.1 (MANE Select); coding-DNA position 4248, C replaced by T.
Protein change: p.Asp1416=; no amino-acid change (aspartic acid 1416 retained).
Molecular consequence: synonymous variant.
Genome position (GRCh38, 1-based): chr5:150,396,745, C>T. VCF-style: chr5-150396745-C-T. GRCh37 (hg19) VCF-style: chr5-149776308-C-T.
Other names: c.4014C>T, p.Asp1338= (NM_000356.4); c.4245C>T, p.Asp1415= (NM_001135243.2); c.4134C>T, p.Asp1378= (NM_001135244.2); c.4017C>T, p.Asp1339= (NM_001135245.2); c.4131C>T, p.Asp1377= (NM_001195141.2).
Identifiers: ClinVar variation 703038 (VCV000703038.29), dbSNP rs141159244, ClinGen allele CA3511694.

ClinVar aggregate classification (germline): Benign/Likely benign. Review status: criteria provided, multiple submitters, no conflicts (2 of 4 stars). 4 submissions from 4 submitters: Benign (2); Likely benign (2). Last evaluated 2025-06-12.

Conditions:
Treacher Collins syndrome 1 (TCS1). Also called: TCOF1-Related Treacher Collins Syndrome. Identifiers: Orphanet 861, MedGen CN315775, MONDO:0007944, OMIM 154500.

Allele frequency attached by ClinVar (database versions not stated): ESP Exome Variant Server 0.00100; 1000 Genomes Project 30x 0.00016; 1000 Genomes Project 0.00020; gnomAD exomes 0.00031 and 0.00049; ExAC 0.00037; gnomAD 0.00042 and 0.00043; TOPMed 0.00046.
gnomAD v4.1: 759 of 1,611,916 alleles (0.047%); highest among the groups gnomAD compares: Non-Finnish European, 0.061%; 1 homozygote.

Submissions (4):

Labcorp Genetics (formerly Invitae), Labcorp
Classification: Benign for Treacher Collins syndrome 1. Last evaluated: 2025-06-12. Review status: criteria provided, single submitter. Criteria: Invitae Variant Classification Sherloc (09022015). Collection method: clinical testing. Allele origin: germline.

CeGaT Center for Human Genetics Tuebingen
Classification: Likely benign. Last evaluated: 2024-10-01. Review status: criteria provided, single submitter. Criteria: CeGaT Center For Human Genetics Tuebingen Variant Classification Criteria Version 2. Collection method: clinical testing. Allele origin: germline. Affected: yes. Observed: 1 variant allele.
Comment: TCOF1: BP4, BP7

Blueprint Genetics
Classification: Likely benign. Last evaluated: 2024-09-20. Review status: criteria provided, single submitter. Criteria: ACMG Guidelines, 2015. Collection method: clinical testing. Allele origin: germline.

GeneDx
Classification: Benign. Last evaluated: 2020-10-29. Review status: criteria provided, single submitter. Criteria: GeneDx Variant Classification Process June 2021. Collection method: clinical testing. Allele origin: germline. Affected: yes.